The following is an entry in ClinVar:

ClinVar aggregate classification (germline): Benign/Likely benign. Review status: criteria provided, multiple submitters, no conflicts (2 of 4 stars). 6 submissions from 6 submitters: Benign (1); Likely benign (4). 1 of the submissions does not count toward it. Last evaluated 2025-06-27.

Conditions:
ESPN-related disorder. Also called: ESPN-related condition.
Autosomal recessive nonsyndromic hearing loss 36. Also called: DEAFNESS, AUTOSOMAL RECESSIVE 36, WITH VESTIBULAR INVOLVEMENT; Deafness, autosomal recessive 36. Identifiers: Orphanet 90636, MedGen C1837007, MONDO:0012170, OMIM 609006.

Allele frequency attached by ClinVar (database versions not stated): gnomAD exomes 0.00007 and 0.00023; ExAC 0.00027; ESP Exome Variant Server 0.00069; gnomAD 0.00076 and 0.00081; 1000 Genomes Project 30x 0.00078; 1000 Genomes Project 0.00100; TOPMed 0.00104.
gnomAD v4.1: 220 of 1,614,226 alleles (0.014%); highest among the groups gnomAD compares: African/African-American, 0.25%; no homozygotes.

Submissions (6):

PreventionGenetics, part of Exact Sciences
Classification: Likely benign for ESPN-related condition. Last evaluated: 2025-06-27. Review status: criteria provided, single submitter. Criteria: ACMG Guidelines, 2015. Collection method: clinical testing. Allele origin: germline.
Comment: This variant is classified as likely benign based on ACMG/AMP sequence variant interpretation guidelines (Richards et al. 2015 PMID: 25741868, with internal and published modifications).

Labcorp Genetics (formerly Invitae), Labcorp
Classification: Likely benign. Last evaluated: 2025-02-02. Review status: criteria provided, single submitter. Criteria: Invitae Variant Classification Sherloc (09022015). Collection method: clinical testing. Allele origin: germline.

Blueprint Genetics
Classification: Benign. Last evaluated: 2024-10-15. Review status: criteria provided, single submitter. Criteria: ACMG Guidelines, 2015. Collection method: clinical testing. Allele origin: germline.

GeneDx
Classification: Likely benign. Last evaluated: 2019-11-12. Review status: criteria provided, single submitter. Criteria: GeneDx Variant Classification Process June 2021. Collection method: clinical testing. Allele origin: germline. Affected: yes.

Laboratory for Molecular Medicine, Mass General Brigham Personalized Medicine
Classification: Likely benign. Last evaluated: 2015-10-22. Review status: criteria provided, single submitter. Criteria: LMM Criteria. Collection method: clinical testing. Allele origin: germline. Observed: 2 variant alleles.
Comment: p.Pro350Ser in exon 6 of ESPN: This variant is not expected to have clinical sig nificance because it has been identified in 0.31% (32/10394) of African chromoso mes by the Exome Aggregation Consortium (ExAC; d bSNP rs115143295).

Division of Human Genetics, Children's Hospital of Philadelphia
Classification: Uncertain significance for Autosomal recessive nonsyndromic hearing loss 36. Last evaluated: 2016-03-07. Review status: no assertion criteria provided. Collection method: research. Allele origin: paternal. Affected: yes. Study: CSER-PediSeq. Not counted in ClinVar's aggregate classification.

NM_031475.3(ESPN):c.1048C>T (p.Pro350Ser)

Gene: ESPN (espin; plus strand). Cytogenetic location: 1p36.31.
Variant type: single nucleotide variant.
Coding change: c.1048C>T on transcript NM_031475.3 (MANE Select); coding-DNA position 1048, C replaced by T.
Protein change: p.Pro350Ser; replaces proline 350 with serine.
Molecular consequence: missense variant.
Genome position (GRCh38, 1-based): chr1:6,444,538, C>T. VCF-style: chr1-6444538-C-T. GRCh37 (hg19) VCF-style: chr1-6504598-C-T.
Other names: c.1048C>T, p.Pro350Ser (NM_001367473.1, NM_001367474.1); short protein forms P350S.
Identifiers: ClinVar variation 163412 (VCV000163412.16), dbSNP rs115143295, ClinGen allele CA176051.